The following is an entry in ClinVar:

ClinVar aggregate classification (germline): Conflicting classifications of pathogenicity. Review status: criteria provided, conflicting classifications (1 of 4 stars). 3 submissions from 3 submitters: Likely pathogenic (1); Uncertain significance (1). 1 of the submissions does not count toward it. Last evaluated 2023-02-13.

Conditions:
Charcot-Marie-Tooth disease. Also called: Charcot-Marie-Tooth Hereditary Neuropathy; Charcot-Marie-Tooth Neuropathy. Identifiers: Orphanet 166, MedGen C0007959, MONDO:0015626.
Charcot-Marie-Tooth Neuropathy X. Identifiers: MedGen CN118851.

Submissions (3):

Labcorp Genetics (formerly Invitae), Labcorp
Classification: Likely pathogenic for Charcot-Marie-Tooth Neuropathy X. Last evaluated: 2023-02-13. Review status: criteria provided, single submitter. Criteria: Invitae Variant Classification Sherloc (09022015). Collection method: clinical testing. Allele origin: germline.
Comment: In summary, the currently available evidence indicates that the variant is pathogenic, but additional data are needed to prove that conclusively. Therefore, this variant has been classified as Likely Pathogenic. This variant disrupts the p.Pro58Ser amino acid residue in GJB1. Other variant(s) that disrupt this residue have been determined to be pathogenic (PMID: 23773993). This suggests that this residue is clinically significant, and that variants that disrupt this residue are likely to be disease-causing. Advanced modeling of protein sequence and biophysical properties (such as structural, functional, and spatial information, amino acid conservation, physicochemical variation, residue mobility, and thermodynamic stability) performed at Invitae indicates that this missense variant is expected to disrupt GJB1 protein function. ClinVar contains an entry for this variant (Variation ID: 637239). This missense change has been observed in individuals with clinical features of Charcot-Marie-Tooth disease (PMID: 9633821; Invitae). This variant is not present in population databases (gnomAD no frequency). This sequence change replaces proline, which is neutral and non-polar, with arginine, which is basic and polar, at codon 58 of the GJB1 protein (p.Pro58Arg).

Mayo Clinic Laboratories, Mayo Clinic
Classification: Uncertain significance. Last evaluated: 2022-07-05. Review status: criteria provided, single submitter. Criteria: ACMG Guidelines, 2015. Collection method: clinical testing. Allele origin: germline. Observed: 1 variant allele.
Comment: PP1, PP3, PM2

Inherited Neuropathy Consortium
Classification: Uncertain significance for Charcot-Marie-Tooth disease. Review status: no assertion criteria provided. Collection method: literature only. Allele origin: germline. Affected: yes. Not counted in ClinVar's aggregate classification.

Literature cited by the submitters: PubMed 23773993 (cited by Labcorp Genetics (formerly Invitae), Labcorp and Mayo Clinic Laboratories, Mayo Clinic); PubMed 9633821 (cited by 3 submitters).

NM_000166.6(GJB1):c.173C>G (p.Pro58Arg)

Gene: GJB1 (gap junction protein beta 1; plus strand). Cytogenetic location: Xq13.1.
Variant type: single nucleotide variant.
Coding change: c.173C>G on transcript NM_000166.6 (MANE Select); coding-DNA position 173, C replaced by G.
Protein change: p.Pro58Arg; replaces proline 58 with arginine.
Molecular consequence: missense variant.
Genome position (GRCh38, 1-based): chrX:71,223,880, C>G. VCF-style: chrX-71223880-C-G. GRCh37 (hg19) VCF-style: chrX-70443730-C-G.
Other names: p.Pro58Arg; c.173C>G, p.Pro58Arg (NM_001097642.3); short protein forms P58R.
Identifiers: ClinVar variation 637239 (VCV000637239.5), dbSNP rs1602348876, ClinGen allele CA413501270.